The following continues an entry in ClinVar:

NM_004006.3(DMD):c.8729A>T (p.Glu2910Val)

Gene: DMD. ClinVar aggregate classification (germline): Benign/Likely benign. Benign (14); Likely benign (2).

Submissions 25 to 38 of 38:

Dr. Peter K. Rogan Lab, Western University
No classification provided (evidence only). Condition: Colon adenocarcinoma. Review status: no classification provided. Collection method: in vitro. Allele origin: not applicable. Functional consequence: retained intron. Not counted in ClinVar's aggregate classification.

Dr. Peter K. Rogan Lab, Western University
No classification provided (evidence only). Condition: Colon adenocarcinoma. Review status: no classification provided. Collection method: in vitro. Allele origin: not applicable. Functional consequence: retained intron. Not counted in ClinVar's aggregate classification.

Dr. Peter K. Rogan Lab, Western University
No classification provided (evidence only). Condition: Thyroid cancer, nonmedullary, 1. Review status: no classification provided. Collection method: in vitro. Allele origin: not applicable. Functional consequence: retained intron. Not counted in ClinVar's aggregate classification.

Dr. Peter K. Rogan Lab, Western University
No classification provided (evidence only). Condition: Thyroid cancer, nonmedullary, 1. Review status: no classification provided. Collection method: in vitro. Allele origin: not applicable. Functional consequence: retained intron. Not counted in ClinVar's aggregate classification.

Dr. Peter K. Rogan Lab, Western University
No classification provided (evidence only). Condition: Cervical cancer. Review status: no classification provided. Collection method: in vitro. Allele origin: not applicable. Functional consequence: retained intron. Not counted in ClinVar's aggregate classification.

Dr. Peter K. Rogan Lab, Western University
No classification provided (evidence only). Condition: Sarcoma. Review status: no classification provided. Collection method: in vitro. Allele origin: not applicable. Functional consequence: retained intron. Not counted in ClinVar's aggregate classification.

Dr. Peter K. Rogan Lab, Western University
No classification provided (evidence only). Condition: Sarcoma. Review status: no classification provided. Collection method: in vitro. Allele origin: not applicable. Functional consequence: retained intron. Not counted in ClinVar's aggregate classification.

Dr. Peter K. Rogan Lab, Western University
No classification provided (evidence only). Condition: Ovarian serous cystadenocarcinoma. Review status: no classification provided. Collection method: in vitro. Allele origin: not applicable. Functional consequence: retained intron. Not counted in ClinVar's aggregate classification.

Dr. Peter K. Rogan Lab, Western University
No classification provided (evidence only). Condition: Ovarian serous cystadenocarcinoma. Review status: no classification provided. Collection method: in vitro. Allele origin: not applicable. Functional consequence: retained intron. Not counted in ClinVar's aggregate classification.

Dr. Peter K. Rogan Lab, Western University
No classification provided (evidence only). Condition: Ovarian serous cystadenocarcinoma. Review status: no classification provided. Collection method: in vitro. Allele origin: not applicable. Functional consequence: retained intron. Not counted in ClinVar's aggregate classification.

Dr. Peter K. Rogan Lab, Western University
No classification provided (evidence only). Condition: Adrenocortical carcinoma, hereditary. Review status: no classification provided. Collection method: in vitro. Allele origin: not applicable. Functional consequence: retained intron. Not counted in ClinVar's aggregate classification.

Dr. Peter K. Rogan Lab, Western University
No classification provided (evidence only). Condition: Adrenocortical carcinoma, hereditary. Review status: no classification provided. Collection method: in vitro. Allele origin: not applicable. Functional consequence: retained intron. Not counted in ClinVar's aggregate classification.

Genome Diagnostics Laboratory, University Medical Center Utrecht
Classification: Benign. Review status: no assertion criteria provided. Collection method: clinical testing. Allele origin: germline. Affected: yes. Study: VKGL Data-share Consensus. Not counted in ClinVar's aggregate classification.

Laboratory of Diagnostic Genome Analysis, Leiden University Medical Center (LUMC)
Classification: Benign. Review status: no assertion criteria provided. Collection method: clinical testing. Allele origin: germline. Affected: yes. Study: VKGL Data-share Consensus. Not counted in ClinVar's aggregate classification.

Literature cited by the submitters: PubMed 19158079 (cited by Women's Health and Genetics/Laboratory Corporation of America, LabCorp and Athena Diagnostics); PubMed 23871722 (cited by Athena Diagnostics); PubMed 25333069 (cited by Athena Diagnostics and Phosphorus, Inc.); PubMed 7881286 (cited by 3 submitters); PubMed 21515508 (cited by Athena Diagnostics); PubMed 18583217 (cited by Athena Diagnostics); PubMed 26284620 (cited by Athena Diagnostics); PubMed 20696926 (cited by Athena Diagnostics); PubMed 28318817 (cited by Athena Diagnostics); PubMed 22678781 (cited by Phosphorus, Inc.); PubMed 23757202 (cited by Phosphorus, Inc.); Hamosh, A. Personal Communication. 2018. Baltimore, Md. (cited by OMIM).